The following is an entry in ClinVar:

ClinVar aggregate classification (germline): Uncertain significance. Review status: criteria provided, multiple submitters, no conflicts (2 of 4 stars). 3 submissions from 3 submitters: Uncertain significance (3). Last evaluated 2025-07-16.

Conditions:
Inborn genetic diseases. Identifiers: MedGen C0950123, MeSH D030342.

gnomAD v4.1: 121 of 1,614,024 alleles (0.0075%); highest among the groups gnomAD compares: Non-Finnish European, 0.0098%; no homozygotes.

Submissions (3):

Ambry Genetics
Classification: Uncertain significance for Inborn genetic diseases. Last evaluated: 2025-07-16. Review status: criteria provided, single submitter. Criteria: Ambry Variant Classification Scheme 2023. Collection method: clinical testing. Allele origin: germline.

Athena Diagnostics
Classification: Uncertain significance. Last evaluated: 2025-02-21. Review status: criteria provided, single submitter. Criteria: Athena Diagnostics Criteria. Collection method: clinical testing. Allele origin: unknown.
Comment: Available data are insufficient to determine the clinical significance of the variant at this time. The frequency of this variant in the general population is higher than would generally be expected for pathogenic variants in this gene. Polyphen and MutationTaster predict this amino acid change may be benign.

Mayo Clinic Laboratories, Mayo Clinic
Classification: Uncertain significance. Last evaluated: 2024-11-19. Review status: criteria provided, single submitter. Criteria: ACMG Guidelines, 2015. Collection method: clinical testing. Allele origin: germline. Observed: 1 variant allele.
Comment: BS2

NM_002739.5(PRKCG):c.629A>G (p.Gln210Arg)

Gene: PRKCG (protein kinase C gamma; plus strand). Cytogenetic location: 19q13.42.
Variant type: single nucleotide variant.
Coding change: c.629A>G on transcript NM_002739.5 (MANE Select); coding-DNA position 629, A replaced by G.
Protein change: p.Gln210Arg; replaces glutamine 210 with arginine.
Molecular consequence: missense variant.
Genome position (GRCh38, 1-based): chr19:53,891,773, A>G. VCF-style: chr19-53891773-A-G. GRCh37 (hg19) VCF-style: chr19-54395027-A-G.
Other names: p.Gln210Arg; c.629A>G, p.Gln210Arg (NM_001316329.2); short protein forms Q210R.
Identifiers: ClinVar variation 3571565 (VCV003571565.3).
Genomic context (GRCh38, chr19:53,891,773, plus strand): 5'-GTCTCTCTGATCCCTATGTGAAACTGAAGCTCATCCCAGACCCTCGGAACCTGACGAAAC[A>G]GAAGACCCGAACGGTGAAAGCCACGCTAAACCCTGTGTGGAATGAGACCTTTGTGTTGTG-3'
Protein context (NP_002730.1, residues 200-220): LIPDPRNLTK[Gln210Arg]KTRTVKATLN